The following is an entry in ClinVar:

NM_000085.5(CLCNKB):c.1784G>A (p.Arg595Gln)

Genes: CLCNKB (chloride voltage-gated channel Kb; plus strand), LOC106501713 (CLCNKB recombination region; plus strand). Cytogenetic location: 1p36.13.
Variant type: single nucleotide variant.
Coding change: c.1784G>A on transcript NM_000085.5 (MANE Select); coding-DNA position 1784, G replaced by A.
Protein change: p.Arg595Gln; replaces arginine 595 with glutamine.
Molecular consequence: missense variant.
Genome position (GRCh38, 1-based): chr1:16,055,462, G>A. VCF-style: chr1-16055462-G-A. GRCh37 (hg19) VCF-style: chr1-16381957-G-A.
Other names: c.1277G>A, p.Arg426Gln (NM_001165945.2); c.1784G>A (NM_000085.3); short protein forms R595Q, R426Q.
Identifiers: ClinVar variation 1368982 (VCV001368982.5), dbSNP rs149940233, ClinGen allele CA624028.

ClinVar aggregate classification (germline): Conflicting classifications of pathogenicity. Review status: criteria provided, conflicting classifications (1 of 4 stars). 3 submissions from 3 submitters: Uncertain significance (2); Likely benign (1). Last evaluated 2024-05-20.

Conditions:
Inborn genetic diseases. Identifiers: MedGen C0950123, MeSH D030342.
Bartter disease type 3. Also called: Bartter syndrome type 3. Identifiers: Orphanet 112, Orphanet 93605, MedGen C1846343, MONDO:0011822, OMIM 607364.
Bartter disease type 4B. Also called: BARTTER SYNDROME, TYPE 4B; BARTTER SYNDROME, TYPE 4B, NEONATAL, WITH SENSORINEURAL DEAFNESS; Bartter syndrome, type 4b, digenic. Identifiers: Orphanet 112, MedGen C4310805, MONDO:0000909, OMIM 613090.

Allele frequency attached by ClinVar (database versions not stated): gnomAD 0.00003 and 0.00004; gnomAD exomes 0.00003 and 0.00009; ExAC 0.00008; ESP Exome Variant Server 0.00008.
gnomAD v4.1: 56 of 1,612,326 alleles (0.0035%); highest among the groups gnomAD compares: Admixed American, 0.02%; no homozygotes.

Submissions (3):

Fulgent Genetics
Classification: Uncertain significance for Bartter disease type 3; Bartter disease type 4B. Last evaluated: 2024-05-20. Review status: criteria provided, single submitter. Criteria: ACMG Guidelines, 2015. Collection method: clinical testing. Allele origin: germline.

Ambry Genetics
Classification: Likely benign for Inborn genetic diseases. Last evaluated: 2024-03-25. Review status: criteria provided, single submitter. Criteria: Ambry Variant Classification Scheme 2023. Collection method: clinical testing. Allele origin: germline.

Labcorp Genetics (formerly Invitae), Labcorp
Classification: Uncertain significance. Last evaluated: 2021-10-20. Review status: criteria provided, single submitter. Criteria: Invitae Variant Classification Sherloc (09022015). Collection method: clinical testing. Allele origin: germline.
Comment: This sequence change replaces arginine, which is basic and polar, with glutamine, which is neutral and polar, at codon 595 of the CLCNKB protein (p.Arg595Gln). This variant is present in population databases (rs149940233, gnomAD 0.04%). This variant has not been reported in the literature in individuals affected with CLCNKB-related conditions. Advanced modeling of protein sequence and biophysical properties (such as structural, functional, and spatial information, amino acid conservation, physicochemical variation, residue mobility, and thermodynamic stability) performed at Invitae indicates that this missense variant is not expected to disrupt CLCNKB protein function. In summary, the available evidence is currently insufficient to determine the role of this variant in disease. Therefore, it has been classified as a Variant of Uncertain Significance.